The following is an entry in ClinVar:

ClinVar aggregate classification (germline): Likely benign (0 of 4 stars; one submission).

Conditions:
MASP1-related disorder. Also called: MASP1-related condition.

Submission:

PreventionGenetics, part of Exact Sciences
Classification: Likely benign for MASP1-related condition. Last evaluated: 2020-07-20. Review status: no assertion criteria provided. Collection method: clinical testing. Allele origin: germline.
Comment: This variant is classified as likely benign based on ACMG/AMP sequence variant interpretation guidelines (Richards et al. 2015 PMID: 25741868, with internal and published modifications).

NM_001879.6(MASP1):c.1910-8T>G

Gene: MASP1 (MBL associated serine protease 1; minus strand). Cytogenetic location: 3q27.3.
Variant type: single nucleotide variant.
Coding change: c.1910-8T>G on transcript NM_001879.6 (MANE Plus Clinical); 8 bases into the intron before coding-DNA position 1910, T replaced by G.
Molecular consequence: intron variant.
Genome position (GRCh38, 1-based): chr3:187,220,269, A>C on the plus strand (T>G on the coding strand, the complement: MASP1 is on the minus strand). VCF-style: chr3-187220269-A-C. GRCh37 (hg19) VCF-style: chr3-186938057-A-C.
Identifiers: ClinVar variation 3036392 (VCV003036392.2), dbSNP rs2474078190, ClinGen allele CA2740091071.
Genomic context (GRCh38, chr3:187,220,269, plus strand): 5'-ATTCAGGGTCACCATGGGGCCTCCAGAGTCACCCGCACAGGCGTCCTTTCCCCCTAGGTG[A>C]AAAAGAGACATAGATGAAGATAAAATGCCCCTTCCCAGCCCAAGTCTCCTTCTCCCATGT-3'